The following is an entry in ClinVar:

ClinVar aggregate classification (germline): Uncertain significance (1 of 4 stars; one submission).

Submission:

Labcorp Genetics (formerly Invitae), Labcorp
Classification: Uncertain significance. Last evaluated: 2025-11-05. Review status: criteria provided, single submitter. Criteria: Invitae Variant Classification Sherloc (09022015). Collection method: clinical testing. Allele origin: germline.
Comment: This sequence change replaces histidine, which is basic and polar, with leucine, which is neutral and non-polar, at codon 1761 of the CACNA1D protein (p.His1761Leu). This variant is not present in population databases (gnomAD no frequency). This variant has not been reported in the literature in individuals affected with CACNA1D-related conditions. An algorithm developed to predict the effect of missense changes on protein structure and function (PolyPhen-2) suggests that this variant is likely to be tolerated. In summary, the available evidence is currently insufficient to determine the role of this variant in disease. Therefore, it has been classified as a Variant of Uncertain Significance.

NM_001128840.3(CACNA1D):c.5222A>T (p.His1741Leu)

Gene: CACNA1D (calcium voltage-gated channel subunit alpha1 D; plus strand). Cytogenetic location: 3p21.1.
Variant type: single nucleotide variant.
Coding change: c.5222A>T on transcript NM_001128840.3 (MANE Select); coding-DNA position 5222, A replaced by T.
Protein change: p.His1741Leu; replaces histidine 1741 with leucine.
Molecular consequence: missense variant.
Genome position (GRCh38, 1-based): chr3:53,801,239, A>T. VCF-style: chr3-53801239-A-T. GRCh37 (hg19) VCF-style: chr3-53835266-A-T.
Other names: c.5282A>T, p.His1761Leu (NM_000720.4); c.5177A>T, p.His1726Leu (NM_001128839.3); short protein forms H1761L, H1726L, H1741L.
Identifiers: ClinVar variation 4730569 (VCV004730569.1).